The following is an entry in ClinVar:

ClinVar aggregate classification (germline): Uncertain significance (0 of 4 stars; one submission).

Conditions:
Global developmental delay (DD). Also called: Cognitive delay. Identifiers: MedGen C0557874, HP:0001263. Disease mechanism: loss of function.
Floppy infant. Also called: Infantile muscular hypotonia. Identifiers: MedGen C1860834, HP:0008947.
Short philtrum. Identifiers: MedGen C1861324, HP:0000322.
Seizure. Also called: Seizures. Identifiers: MedGen C0036572, HP:0001250.
Hypotelorism. Identifiers: MedGen C0424711, HP:0000601.

Submission:

Medical Genetics Lab, Policlinico S. Orsola.Malpighi
Classification: Uncertain significance for Seizure; Global developmental delay; Floppy infant; Hypotelorism; Short philtrum. Last evaluated: 2018-05-01. Review status: no assertion criteria provided. Collection method: clinical testing. Allele origin: de novo. Affected: yes.
Comment: This is a small, rare, de novo duplication. ClinVar reports one similar overlapping duplication, defined as of uncertain significance.

Single allele

Genes: AMBRA1 (autophagy and beclin 1 regulator 1; minus strand), CHRM4 (cholinergic receptor muscarinic 4; minus strand), CREB3L1 (cAMP responsive element binding protein 3 like 1; plus strand), DGKZ (diacylglycerol kinase zeta; plus strand), HARBI1 (harbinger transposase derived 1; minus strand) and 1 more. Cytogenetic location: 11p11.2.
Variant type: Duplication.
Identifiers: ClinVar variation 559401 (VCV000559401.1).